The following is an entry in ClinVar:

ClinVar aggregate classification (germline): Uncertain significance (1 of 4 stars; one submission).

Conditions:
Developmental cataract. Also called: Bilateral cataracts; Congenital cataracts; Congenital cataract. Identifiers: MedGen C0009691, HP:0000519.

gnomAD v4.1: 23 of 1,611,894 alleles (0.0014%); highest among the groups gnomAD compares: Middle Eastern, 0.017%; no homozygotes.

Submissions (2):

Dept. Genetics and Cancer, Menzies Institute for Medical Research, University of Tasmania
Classification: Uncertain significance for Developmental cataract. Last evaluated: 2020-12-01. Review status: criteria provided, single submitter. Criteria: ACMG Guidelines, 2015. Collection method: research. Allele origin: germline. Affected: yes.
Comment: Variant is absent from controls. Multiple computational tools suggest no impact on gene or gene product. This variant segregates in the family, however, with a very unlikely pattern of inheritance. An alternate pathogenic variant was identified to account for the condition.

Dr. Peter K. Rogan Lab, Western University
No classification provided (evidence only). Condition: Gastric cancer. Review status: no classification provided. Collection method: in vitro. Allele origin: not applicable. Functional consequence: retained intron. Not counted in ClinVar's aggregate classification.

Literature cited by the submitters: PubMed 33867527 (cited by Dept. Genetics and Cancer, Menzies Institute for Medical Research, University of Tasmania).

NM_019891.4(ERO1B):c.662C>T (p.Ala221Val)

Gene: ERO1B (endoplasmic reticulum oxidoreductase 1 beta; minus strand). Cytogenetic location: 1q42.3.
Variant type: single nucleotide variant.
Coding change: c.662C>T on transcript NM_019891.4 (MANE Select); coding-DNA position 662, C replaced by T.
Protein change: p.Ala221Val; replaces alanine 221 with valine.
Molecular consequence: missense variant.
Genome position (GRCh38, 1-based): chr1:236,235,800, G>A on the plus strand (C>T on the coding strand, the complement: ERO1B is on the minus strand). VCF-style: chr1-236235800-G-A. GRCh37 (hg19) VCF-style: chr1-236399100-G-A.
Other names: NC_000001.10:g.236399100G>A; short protein forms A221V.
Identifiers: ClinVar variation 988890 (VCV000988890.3), dbSNP rs966390978, ClinGen allele CA39685651.